The following is an entry in ClinVar:

NM_007294.4(BRCA1):c.5333-46G>A

Gene: BRCA1 (BRCA1 DNA repair associated; minus strand). Cytogenetic location: 17q21.31.
Variant type: single nucleotide variant.
Coding change: c.5333-46G>A on transcript NM_007294.4 (MANE Select); 46 bases into the intron before coding-DNA position 5333, G replaced by A.
Molecular consequence: intron variant.
Genome position (GRCh38, 1-based): chr17:43,049,240, C>T on the plus strand (G>A on the coding strand, the complement: BRCA1 is on the minus strand). VCF-style: chr17-43049240-C-T. GRCh37 (hg19) VCF-style: chr17-41201257-C-T.
Other names: c.1880-46G>A (NM_001408458.1, NM_001408461.1, NM_001408464.1 and 7 more transcripts); c.4442-46G>A (NM_001407967.1); c.4952-46G>A (NM_001407959.1); c.5066-46G>A (NM_001407931.1, NM_001407932.1, NM_001407928.1 and 4 more transcripts); c.5189-46G>A (NM_001407747.1, NM_001407745.1, NM_001407737.1 and 18 more transcripts); c.4949-46G>A (NM_001407962.1, NM_001407960.1); c.1520-46G>A (NM_001408512.1); c.1643-46G>A (NM_001408510.1); and 84 more.
Identifiers: ClinVar variation 1697599 (VCV001697599.8), dbSNP rs1347755058, ClinGen allele CA626076645.
Genomic context (GRCh38, chr17:43,049,240, plus strand): 5'-TCCATTCCAGTTGATCTAAAATGGACATTTAGATGTAAAATCACTGCAGTAATCTGCATA[C>T]TTAACCCAGGCCCTCTACCCTACACTCTCCGGATGAAGGCTTATAGCAAGACCTCTCAAT-3'

ClinVar aggregate classification (germline): Uncertain significance. Review status: criteria provided, multiple submitters, no conflicts (2 of 4 stars). 2 submissions from 2 submitters: Uncertain significance (2). Last evaluated 2025-03-04.

Conditions:
BRCA1-related disorder. Also called: BRCA1-related condition.

Submissions (2):

Center for Genomic Medicine, Rigshospitalet, Copenhagen University Hospital
Classification: Uncertain significance. Last evaluated: 2025-03-04. Review status: criteria provided, single submitter. Criteria: ACMG Guidelines, 2015. Collection method: clinical testing. Allele origin: germline.

PreventionGenetics, part of Exact Sciences
Classification: Uncertain significance for BRCA1-related condition. Last evaluated: 2023-07-27. Review status: criteria provided, single submitter. Criteria: ACMG Guidelines, 2015. Collection method: clinical testing. Allele origin: germline.
Comment: The BRCA1 c.5333-46G>A variant is predicted to interfere with splicing. To our knowledge, this variant has not been reported in the literature or in a large population database, indicating this variant is rare. At this time, the clinical significance of this variant is uncertain due to the absence of conclusive functional and genetic evidence.